The following is an entry in ClinVar:

NM_003242.6(TGFBR2):c.427T>C (p.Cys143Arg)

Gene: TGFBR2 (transforming growth factor beta receptor 2; plus strand). Cytogenetic location: 3p24.1.
Variant type: single nucleotide variant.
Coding change: c.427T>C on transcript NM_003242.6 (MANE Select); coding-DNA position 427, T replaced by C.
Protein change: p.Cys143Arg; replaces cysteine 143 with arginine.
Molecular consequence: missense variant. On other transcripts: intron variant (2).
Genome position (GRCh38, 1-based): chr3:30,650,433, T>C. VCF-style: chr3-30650433-T-C. GRCh37 (hg19) VCF-style: chr3-30691925-T-C.
Other names: c.502T>C, p.Cys168Arg (NM_001024847.3, NM_001407126.1, NM_001407139.1); c.427T>C, p.Cys143Arg (NM_001407127.1, NM_001407130.1); c.454T>C, p.Cys152Arg (NM_001407128.1); c.322T>C, p.Cys108Arg (NM_001407129.1, NM_001407132.1, NM_001407133.1 and 3 more transcripts); c.170-21205T>C (NM_001407137.1); c.95-21205T>C (NM_001407138.1); short protein forms C108R, C143R, C152R, C168R.
Identifiers: ClinVar variation 3072899 (VCV003072899.1), dbSNP rs2125410643, ClinGen allele CA351807072.

ClinVar aggregate classification (germline): Uncertain significance (1 of 4 stars; one submission).

Conditions:
Loeys-Dietz syndrome 2 (LDS2). Also called: TGFBR2-Related Loeys-Dietz Syndrome; AORTIC ANEURYSM, FAMILIAL THORACIC 3; MARFAN SYNDROME, TYPE II; Marfan syndrome, type 2 (formerly); Marfan Syndrome type 2; Marfan like connective tissue disorder. Identifiers: Orphanet 284973, Orphanet 558, MedGen C2674574, MONDO:0012427, OMIM 610168.

Allele frequency attached by ClinVar (database versions not stated): gnomAD exomes below 0.00001.
gnomAD v4.1: 1 of 1,613,858 alleles (0.000062%); highest among the groups gnomAD compares: Non-Finnish European, 0.000085%; no homozygotes.

Submission:

All of Us Research Program, National Institutes of Health
Classification: Uncertain significance for Loeys-Dietz syndrome 2. Last evaluated: 2023-08-15. Review status: criteria provided, single submitter. Criteria: ACMG Guidelines, 2015. Collection method: clinical testing. Allele origin: germline. Inheritance: Autosomal dominant inheritance. Observed: 1 variant allele, 1 heterozygote.
Comment: This missense variant replaces cysteine with arginine at codon 143 of the TGFBR2 protein. Computational prediction suggests that this variant may have deleterious impact on protein structure and function (internally defined REVEL score threshold >= 0.7, PMID: 27666373). To our knowledge, functional studies have not been reported for this variant. This variant has not been reported in individuals affected with TGFBR2-related disorders in the literature. This variant has not been identified in the general population by the Genome Aggregation Database (gnomAD). The available evidence is insufficient to determine the role of this variant in disease conclusively. Therefore, this variant is classified as a Variant of Uncertain Significance.

This study involves interpretation of variants in research participants for the purpose of population health screening. Participant phenotype was not available at the time of variant classification. Additional details can be found in publication PMID: 35346344, PMCID: PMC8962531